The following is an entry in ClinVar:

ClinVar aggregate classification (germline): Uncertain significance (1 of 4 stars; one submission).

Submission:

Greenwood Genetic Center Diagnostic Laboratories, Greenwood Genetic Center
Classification: Uncertain significance. Last evaluated: 2024-02-14. Review status: criteria provided, single submitter. Criteria: ACMG Guidelines, 2015. Collection method: clinical testing. Allele origin: germline. Affected: yes.
Comment: Gene of Uncertain Significance

NM_152515.5(CKAP2L):c.793G>A (p.Ala265Thr)

Gene: CKAP2L (cytoskeleton associated protein 2 like; minus strand). Cytogenetic location: 2q14.1.
Variant type: single nucleotide variant.
Coding change: c.793G>A on transcript NM_152515.5 (MANE Select); coding-DNA position 793, G replaced by A.
Protein change: p.Ala265Thr; replaces alanine 265 with threonine.
Molecular consequence: missense variant.
Genome position (GRCh38, 1-based): chr2:112,756,578, C>T on the plus strand (G>A on the coding strand, the complement: CKAP2L is on the minus strand). VCF-style: chr2-112756578-C-T. GRCh37 (hg19) VCF-style: chr2-113514155-C-T.
Other names: c.298G>A, p.Ala100Thr (NM_001304361.2); short protein forms A100T, A265T.
Identifiers: ClinVar variation 3235740 (VCV003235740.1), dbSNP rs2467068821, ClinGen allele CA348297436.